The following is an entry in ClinVar:

ClinVar aggregate classification (germline): Likely benign (0 of 4 stars; one submission).

Conditions:
DHX57-related disorder. Also called: DHX57-related condition.

Allele frequency attached by ClinVar (database versions not stated): gnomAD exomes 0.00013; ExAC 0.00037; 1000 Genomes Project 0.00040; ESP Exome Variant Server 0.00077; 1000 Genomes Project 30x 0.00078; gnomAD 0.00116; TOPMed 0.00138.
gnomAD v4.1: 381 of 1,612,556 alleles (0.024%); highest among the groups gnomAD compares: African/African-American, 0.43%; 3 homozygotes.

Submission:

PreventionGenetics, part of Exact Sciences
Classification: Likely benign for DHX57-related condition. Last evaluated: 2020-04-21. Review status: no assertion criteria provided. Collection method: clinical testing. Allele origin: germline.
Comment: This variant is classified as likely benign based on ACMG/AMP sequence variant interpretation guidelines (Richards et al. 2015 PMID: 25741868, with internal and published modifications).

NM_198963.3(DHX57):c.3040G>C (p.Ala1014Pro)

Gene: DHX57 (DExH-box helicase 57; minus strand). Cytogenetic location: 2p22.1.
Variant type: single nucleotide variant.
Coding change: c.3040G>C on transcript NM_198963.3 (MANE Select); coding-DNA position 3040, G replaced by C.
Protein change: p.Ala1014Pro; replaces alanine 1014 with proline.
Molecular consequence: missense variant.
Genome position (GRCh38, 1-based): chr2:38,823,244, C>G on the plus strand (G>C on the coding strand, the complement: DHX57 is on the minus strand). VCF-style: chr2-38823244-C-G. GRCh37 (hg19) VCF-style: chr2-39050386-C-G.
Other names: c.2734G>C, p.Ala912Pro (NM_001329963.1); short protein forms A1014P, A912P.
Identifiers: ClinVar variation 3037682 (VCV003037682.2), dbSNP rs142332924, ClinGen allele CA1622735.